The following is an entry in ClinVar:

NM_017514.5(PLXNA3):c.4497C>T (p.Asn1499=)

Gene: PLXNA3 (plexin A3; plus strand). Cytogenetic location: Xq28.
Variant type: single nucleotide variant.
Coding change: c.4497C>T on transcript NM_017514.5 (MANE Select); coding-DNA position 4497, C replaced by T.
Protein change: p.Asn1499=; no amino-acid change (asparagine 1499 retained).
Molecular consequence: synonymous variant.
Genome position (GRCh38, 1-based): chrX:154,469,118, C>T. VCF-style: chrX-154469118-C-T. GRCh37 (hg19) VCF-style: chrX-153697461-C-T.
Identifiers: ClinVar variation 3353235 (VCV003353235.1).
Genomic context (GRCh38, chrX:154,469,118, plus strand): 5'-CCTTCACTGCGTGTGTCCGGAGAACGAGGGCAGCGCCCAGGTCCCAGTGAAGGTTCTCAA[C>T]TGTGACAGCATCACCCAGGCCAAAGATAAGCTGCTGGACACTGTGTACAAGGGCATTCCG-3'
Protein context (NP_059984.3, residues 1489-1509): GSAQVPVKVL[Asn1499=]CDSITQAKDK

ClinVar aggregate classification (germline): Likely benign (0 of 4 stars; one submission).

Conditions:
PLXNA3-related disorder. Also called: PLXNA3-related condition.

Submission:

PreventionGenetics, part of Exact Sciences
Classification: Likely benign for PLXNA3-related condition. Last evaluated: 2022-08-18. Review status: no assertion criteria provided. Collection method: clinical testing. Allele origin: germline.
Comment: This variant is classified as likely benign based on ACMG/AMP sequence variant interpretation guidelines (Richards et al. 2015 PMID: 25741868, with internal and published modifications).